The following is an entry in ClinVar:

NM_003072.5(SMARCA4):c.1073C>T (p.Pro358Leu)

Gene: SMARCA4 (SWI/SNF related BAF chromatin remodeling complex subunit ATPase 4; plus strand). Cytogenetic location: 19p13.2.
Variant type: single nucleotide variant.
Coding change: c.1073C>T on transcript NM_003072.5 (MANE Select); coding-DNA position 1073, C replaced by T.
Protein change: p.Pro358Leu; replaces proline 358 with leucine.
Molecular consequence: missense variant. On other transcripts: non-coding transcript variant (1).
Genome position (GRCh38, 1-based): chr19:10,987,879, C>T. VCF-style: chr19-10987879-C-T. GRCh37 (hg19) VCF-style: chr19-11098555-C-T.
Other names: c.1073C>T, p.Pro358Leu (NM_001128844.3, NM_001128845.2, NM_001128846.2 and 5 more transcripts); short protein forms P358L.
Identifiers: ClinVar variation 408673 (VCV000408673.13), dbSNP rs1060502094, ClinGen allele CA16615897.

ClinVar aggregate classification (germline): Uncertain significance. Review status: criteria provided, multiple submitters, no conflicts (2 of 4 stars). 3 submissions from 3 submitters: Uncertain significance (3). Last evaluated 2026-01-16.

Conditions:
Neurodevelopmental disorder. Identifiers: MedGen C1535926, MeSH D065886, MONDO:0700092.
Hereditary cancer-predisposing syndrome. Also called: Hereditary Cancer Syndrome; Hereditary neoplastic syndrome; Neoplastic Syndromes, Hereditary; Tumor predisposition. Identifiers: Orphanet 140162, MedGen C0027672, MeSH D009386, MONDO:0015356.
Rhabdoid tumor predisposition syndrome 2 (RTPS2). Identifiers: Orphanet 231108, Orphanet 69077, MedGen C2750074, MONDO:0013224, OMIM 613325.

Allele frequency attached by ClinVar (database versions not stated): gnomAD 0.00001.

Submissions (3):

Labcorp Genetics (formerly Invitae), Labcorp
Classification: Uncertain significance for Rhabdoid tumor predisposition syndrome 2. Last evaluated: 2026-01-16. Review status: criteria provided, single submitter. Criteria: Invitae Variant Classification Sherloc (09022015). Collection method: clinical testing. Allele origin: germline.
Comment: This sequence change replaces proline, which is neutral and non-polar, with leucine, which is neutral and non-polar, at codon 358 of the SMARCA4 protein (p.Pro358Leu). This variant is not present in population databases (gnomAD no frequency). This variant has not been reported in the literature in individuals affected with SMARCA4-related conditions. ClinVar contains an entry for this variant (Variation ID: 408673). Invitae Evidence Modeling of protein sequence and biophysical properties (such as structural, functional, and spatial information, amino acid conservation, physicochemical variation, residue mobility, and thermodynamic stability) indicates that this missense variant is expected to disrupt SMARCA4 protein function with a positive predictive value of 95%. In summary, the available evidence is currently insufficient to determine the role of this variant in disease. Therefore, it has been classified as a Variant of Uncertain Significance.

Ambry Genetics
Classification: Uncertain significance for Hereditary cancer-predisposing syndrome. Last evaluated: 2025-09-08. Review status: criteria provided, single submitter. Criteria: Ambry Variant Classification Scheme 2023. Collection method: clinical testing. Allele origin: germline.
Comment: The p.P358L variant (also known as c.1073C>T), located in coding exon 5 of the SMARCA4 gene, results from a C to T substitution at nucleotide position 1073. The proline at codon 358 is replaced by leucine, an amino acid with similar properties. This amino acid position is highly conserved in available vertebrate species. In addition, this alteration is predicted to be deleterious by in silico analysis. Based on the available evidence, the clinical significance of this variant remains unclear.

Laboratory of Molecular Genetics (Pr. Bezieau's lab), CHU de Nantes
Classification: Uncertain significance for Neurodevelopmental disorder. Last evaluated: 2022-03-08. Review status: criteria provided, single submitter. Criteria: ACMG Guidelines, 2015. Collection method: clinical testing. Allele origin: germline. Affected: yes.